The following is an entry in ClinVar:

ClinVar aggregate classification (germline): Uncertain significance (1 of 4 stars; one submission).

Conditions:
Dilated cardiomyopathy 1DD (CMD1DD). Identifiers: Orphanet 154, MedGen C2750995, MONDO:0013168, OMIM 613172.

Submission:

Labcorp Genetics (formerly Invitae), Labcorp
Classification: Uncertain significance for Dilated cardiomyopathy 1DD. Last evaluated: 2023-03-26. Review status: criteria provided, single submitter. Criteria: Invitae Variant Classification Sherloc (09022015). Collection method: clinical testing. Allele origin: germline.
Comment: This sequence change replaces threonine, which is neutral and polar, with alanine, which is neutral and non-polar, at codon 1071 of the RBM20 protein (p.Thr1071Ala). In summary, the available evidence is currently insufficient to determine the role of this variant in disease. Therefore, it has been classified as a Variant of Uncertain Significance. Advanced modeling of protein sequence and biophysical properties (such as structural, functional, and spatial information, amino acid conservation, physicochemical variation, residue mobility, and thermodynamic stability) performed at Invitae indicates that this missense variant is not expected to disrupt RBM20 protein function. This variant has not been reported in the literature in individuals affected with RBM20-related conditions. This variant is not present in population databases (gnomAD no frequency).

NM_001134363.3(RBM20):c.3211A>G (p.Thr1071Ala)

Gene: RBM20 (RNA binding motif protein 20; plus strand). Cytogenetic location: 10q25.2.
Variant type: single nucleotide variant.
Coding change: c.3211A>G on transcript NM_001134363.3 (MANE Select); coding-DNA position 3211, A replaced by G.
Protein change: p.Thr1071Ala; replaces threonine 1071 with alanine.
Molecular consequence: missense variant.
Genome position (GRCh38, 1-based): chr10:110,821,830, A>G. VCF-style: chr10-110821830-A-G. GRCh37 (hg19) VCF-style: chr10-112581588-A-G.
Other names: short protein forms T1071A.
Identifiers: ClinVar variation 2999239 (VCV002999239.3), dbSNP rs2493495369, ClinGen allele CA378381869.